The following is an entry in ClinVar:

ClinVar aggregate classification (germline): Uncertain significance (1 of 4 stars; one submission).

gnomAD v4.1: 2 of 1,611,702 alleles (0.00012%); highest among the groups gnomAD compares: Non-Finnish European, 0.00017%; no homozygotes.

Submission:

Labcorp Genetics (formerly Invitae), Labcorp
Classification: Uncertain significance. Last evaluated: 2023-10-03. Review status: criteria provided, single submitter. Criteria: Invitae Variant Classification Sherloc (09022015). Collection method: clinical testing. Allele origin: germline.
Comment: This sequence change replaces arginine, which is basic and polar, with proline, which is neutral and non-polar, at codon 1029 of the A2ML1 protein (p.Arg1029Pro). The frequency data for this variant in the population databases is considered unreliable, as metrics indicate poor data quality at this position in the gnomAD database. This variant has not been reported in the literature in individuals affected with A2ML1-related conditions. ClinVar contains an entry for this variant (Variation ID: 1045601). An algorithm developed to predict the effect of missense changes on protein structure and function (PolyPhen-2) suggests that this variant is likely to be disruptive. In summary, the available evidence is currently insufficient to determine the role of this variant in disease. Therefore, it has been classified as a Variant of Uncertain Significance.

NM_144670.6(A2ML1):c.3086G>C (p.Arg1029Pro)

Gene: A2ML1 (alpha-2-macroglobulin like 1; plus strand). Cytogenetic location: 12p13.31.
Variant type: single nucleotide variant.
Coding change: c.3086G>C on transcript NM_144670.6 (MANE Select); coding-DNA position 3086, G replaced by C.
Protein change: p.Arg1029Pro; replaces arginine 1029 with proline.
Molecular consequence: missense variant.
Genome position (GRCh38, 1-based): chr12:8,857,567, G>C. VCF-style: chr12-8857567-G-C. GRCh37 (hg19) VCF-style: chr12-9010163-G-C.
Other names: c.1613G>C, p.Arg538Pro (NM_001282424.3); short protein forms R538P, R1029P.
Identifiers: ClinVar variation 1045601 (VCV001045601.8), dbSNP rs762232957, ClinGen allele CA383836824.